The following is an entry in ClinVar:

ClinVar aggregate classification (germline): Pathogenic/Likely pathogenic. Review status: criteria provided, multiple submitters, no conflicts (2 of 4 stars). 10 submissions from 10 submitters: Pathogenic (6); Likely pathogenic (4). Last evaluated 2025-11-26.

Conditions:
EYS-related disorder. Also called: EYS-related condition.
Retinitis pigmentosa (RP). Identifiers: Orphanet 791, MedGen C0035334, MeSH D012174, MONDO:0019200, OMIM 268000. Inheritance: Autosomal dominant, autosomal recessive and X linked inheritance.
Retinitis pigmentosa 25 (RP25). Identifiers: Orphanet 791, MedGen C1864446, MONDO:0011272, OMIM 602772.

Allele frequency attached by ClinVar (database versions not stated): gnomAD exomes 0.00002.
gnomAD v4.1: 24 of 1,551,508 alleles (0.0015%); highest among the groups gnomAD compares: Non-Finnish European, 0.0021%; no homozygotes.

Submissions (10):

Labcorp Genetics (formerly Invitae), Labcorp
Classification: Pathogenic. Last evaluated: 2025-11-26. Review status: criteria provided, single submitter. Criteria: Invitae Variant Classification Sherloc (09022015). Collection method: clinical testing. Allele origin: germline.
Comment: This sequence change creates a premature translational stop signal (p.Ser2869*) in the EYS gene. While this is not anticipated to result in nonsense mediated decay, it is expected to disrupt the last 276 amino acid(s) of the EYS protein. This variant is present in population databases (no rsID available, gnomAD 0.005%). This variant has not been reported in the literature in individuals affected with EYS-related conditions. ClinVar contains an entry for this variant (Variation ID: 1065672). This variant disrupts a region of the EYS protein in which other variant(s) (p.Tyr3135*, p.Tyr3156*) have been determined to be pathogenic (PMID: 18976725, 29159838, 30337596, 31074760). This suggests that this is a clinically significant region of the protein, and that variants that disrupt it are likely to be disease-causing. For these reasons, this variant has been classified as Pathogenic.

Myriad Genetics, Inc.
Classification: Pathogenic for Retinitis pigmentosa 25. Last evaluated: 2025-10-01. Review status: criteria provided, single submitter. Criteria: Myriad Autosomal Dominant, Autosomal Recessive and X-Linked Classification Criteria (2023). Collection method: clinical testing. Allele origin: unknown.
Comment: NM_001142800.1(EYS):c.8606C>G(S2869*) is a nonsense variant classified as pathogenic in the context of retinitis pigmentosa, EYS-related. S2869* has not been observed in cases with relevant disease. Relevant functional assessments of this variant are not available in the literature. S2869* has been observed in referenced population frequency databases. In summary, NM_001142800.1(EYS):c.8606C>G(S2869*) is a nonsense variant in a gene where loss of function is a known mechanism of disease and is predicted to disrupt protein function. Please note: this variant was assessed in the context of healthy population screening.

Natera, Inc.
Classification: Likely pathogenic for Retinitis pigmentosa type 25. Last evaluated: 2024-11-13. Review status: criteria provided, single submitter. Criteria: Natera Variant Classification Schema (03/2026). Collection method: clinical testing. Allele origin: germline.
Comment: The c.8606C>G variant in EYS is a nonsense variant predicted to introduce a stop codon at amino acid 2869. This variant is expected to result in nonsense mediated decay, truncation, or a dysfunctional protein product. This variant is rare in the general population with a frequency below the threshold expected for the associated phenotype(s). This variant has been observed in one or more individuals affected with the associated recessive disease, as either homozygous or compound heterozygous with a second variant (PMID: 34906470, 34828430). Given the available evidence, this variant is classified as Likely Pathogenic.

Blueprint Genetics
Classification: Pathogenic for EYS-related disorders. Last evaluated: 2024-09-05. Review status: criteria provided, single submitter. Criteria: ACMG Guidelines, 2015. Collection method: clinical testing. Allele origin: germline. Affected: yes. Observed: 5 variant alleles.

Baylor Genetics
Classification: Pathogenic for Retinitis pigmentosa 25. Last evaluated: 2024-02-28. Review status: criteria provided, single submitter. Criteria: ACMG Guidelines, 2015. Collection method: clinical testing. Allele origin: unknown.

Fulgent Genetics
Classification: Likely pathogenic for Retinitis pigmentosa 25. Last evaluated: 2024-01-06. Review status: criteria provided, single submitter. Criteria: ACMG Guidelines, 2015. Collection method: clinical testing. Allele origin: germline.

PreventionGenetics, part of Exact Sciences
Classification: Pathogenic for EYS-related condition. Last evaluated: 2023-07-03. Review status: criteria provided, single submitter. Criteria: ACMG Guidelines, 2015. Collection method: clinical testing. Allele origin: germline.
Comment: The EYS c.8606C>G variant is predicted to result in premature protein termination (p.Ser2869*). To our knowledge, this variant has not been reported in the literature. This variant is reported in 0.0050% of alleles in individuals of European (Non-Finnish) descent in gnomAD. Nonsense variants in EYS are expected to be pathogenic. This variant is interpreted as pathogenic.

DBGen Ocular Genomics
Classification: Pathogenic for Retinitis pigmentosa 25. Last evaluated: 2021-05-21. Review status: criteria provided, single submitter. Criteria: ACMG Guidelines, 2015. Collection method: clinical testing. Allele origin: germline. Affected: yes. Observed: 1 variant allele.

Ocular Genomics Institute, Massachusetts Eye and Ear
Classification: Likely pathogenic for Retinitis pigmentosa 25. Last evaluated: 2021-04-08. Review status: criteria provided, single submitter. Criteria: ACMG Guidelines, 2015. Collection method: research. Allele origin: germline. Affected: yes.
Comment: Through a review of available evidence we were able to apply the following criteria: PVS1, PM2. Based on this evidence we have classified this variant as Likely Pathogenic.

Broad Center for Mendelian Genomics, Broad Institute of MIT and Harvard
Classification: Likely pathogenic for Retinitis pigmentosa. Last evaluated: 2021-04-01. Review status: criteria provided, single submitter. Criteria: ACMG Guidelines, 2015. Collection method: curation. Allele origin: germline. Inheritance: Autosomal recessive inheritance. Affected: yes.
Comment: Through a review of available evidence we were able to apply the following criteria: PVS1, PM2. Based on this evidence we have classified this variant as Likely Pathogenic. If you have any questions about the classification please reach out to the Pierce Lab.

Literature cited by the submitters: PubMed 18976725 (cited by Labcorp Genetics (formerly Invitae), Labcorp); PubMed 29159838 (cited by Labcorp Genetics (formerly Invitae), Labcorp); PubMed 30337596 (cited by Labcorp Genetics (formerly Invitae), Labcorp); PubMed 31074760 (cited by Labcorp Genetics (formerly Invitae), Labcorp); PubMed 34906470 (cited by Natera, Inc. and Broad Center for Mendelian Genomics, Broad Institute of MIT and Harvard); PubMed 34828430 (cited by Natera, Inc.).

NM_001142800.2(EYS):c.8606C>G (p.Ser2869Ter)

Genes: EYS (EGF-like photoreceptor maintenance factor; minus strand), PHF3 (PHD finger protein 3; plus strand). Cytogenetic location: 6q12.
Variant type: single nucleotide variant.
Coding change: c.8606C>G on transcript NM_001142800.2 (MANE Select); coding-DNA position 8606, C replaced by G.
Protein change: p.Ser2869Ter; replaces serine 2869 with a stop codon.
Molecular consequence: nonsense. On other transcripts: 3 prime UTR variant (5).
Genome position (GRCh38, 1-based): chr6:63,721,425, G>C on the plus strand (C>G on the coding strand, the complement: EYS is on the minus strand). VCF-style: chr6-63721425-G-C. GRCh37 (hg19) VCF-style: chr6-64431321-G-C.
Other names: c.*7717G>C (NM_001290259.2, NM_001370348.2, NM_001370349.2 and 2 more transcripts); c.8669C>G, p.Ser2890Ter (NM_001292009.2); short protein forms S2869*, S2890*.
Identifiers: ClinVar variation 1065672 (VCV001065672.17), dbSNP rs933169926, ClinGen allele CA140236840.